The following is an entry in ClinVar:

NM_001267550.2(TTN):c.61332A>G (p.Arg20444=)

Genes: TTN (titin; minus strand), TTN-AS1 (TTN antisense RNA 1; plus strand). Cytogenetic location: 2q31.2.
Variant type: single nucleotide variant.
Coding change: c.61332A>G on transcript NM_001267550.2 (MANE Select); coding-DNA position 61332, A replaced by G.
Protein change: p.Arg20444=; no amino-acid change (arginine 20444 retained).
Molecular consequence: synonymous variant.
Genome position (GRCh38, 1-based): chr2:178,590,393, T>C on the plus strand (A>G on the coding strand, the complement: TTN is on the minus strand). VCF-style: chr2-178590393-T-C. GRCh37 (hg19) VCF-style: chr2-179455120-T-C.
Other names: c.56409A>G, p.Arg18803= (NM_001256850.1); c.34137A>G, p.Arg11379= (NM_003319.4); c.53628A>G, p.Arg17876= (NM_133378.4); c.34512A>G, p.Arg11504= (NM_133432.3); c.34713A>G, p.Arg11571= (NM_133437.4).
Identifiers: ClinVar variation 511841 (VCV000511841.5), dbSNP rs758056865, ClinGen allele CA430266044.

ClinVar aggregate classification (germline): Likely benign. Review status: criteria provided, multiple submitters, no conflicts (2 of 4 stars). 3 submissions from 3 submitters: Likely benign (3). Last evaluated 2026-08-29.

Conditions:
Autosomal recessive limb-girdle muscular dystrophy type 2J (LGMDR10). Also called: Limb-girdle muscular dystrophy, type 2J; MUSCULAR DYSTROPHY, LIMB-GIRDLE, AUTOSOMAL RECESSIVE 10. Identifiers: Orphanet 140922, MedGen C1837342, MONDO:0012127, OMIM 608807.
Dilated cardiomyopathy 1G (CMD1G). Identifiers: Orphanet 154, MedGen C1858763, MONDO:0011400, OMIM 604145.
Cardiovascular phenotype. Identifiers: MedGen CN230736.

Submissions (3):

Ambry Genetics
Classification: Likely benign for Cardiovascular phenotype. Last evaluated: 2026-08-29. Review status: criteria provided, single submitter. Criteria: Ambry Variant Classification Scheme 2023. Collection method: clinical testing. Allele origin: germline.

Labcorp Genetics (formerly Invitae), Labcorp
Classification: Likely benign for Dilated cardiomyopathy 1G; Autosomal recessive limb-girdle muscular dystrophy type 2J. Last evaluated: 2023-11-13. Review status: criteria provided, single submitter. Criteria: Invitae Variant Classification Sherloc (09022015). Collection method: clinical testing. Allele origin: germline.

GeneDx
Classification: Likely benign. Last evaluated: 2017-08-29. Review status: criteria provided, single submitter. Criteria: GeneDx Variant Classification (06012015). Collection method: clinical testing. Allele origin: germline. Affected: yes.
Comment: This variant is considered likely benign or benign based on one or more of the following criteria: it is a conservative change, it occurs at a poorly conserved position in the protein, it is predicted to be benign by multiple in silico algorithms, and/or has population frequency not consistent with disease.